The following is an entry in ClinVar:

ClinVar aggregate classification (germline): Uncertain significance (1 of 4 stars; one submission).

Conditions:
Neurofibromatosis, type 1 (NF1). Also called: Peripheral type neurofibromatosis; Neurofibromatosis, type I; VON RECKLINGHAUSEN DISEASE; NEUROFIBROMATOSIS, TYPE I, SOMATIC. Identifiers: Orphanet 636, MedGen C0027831, MONDO:0018975, OMIM 162200. Disease mechanism: loss of function.

Submission:

Labcorp Genetics (formerly Invitae), Labcorp
Classification: Uncertain significance for Neurofibromatosis, type 1. Last evaluated: 2018-03-11. Review status: criteria provided, single submitter. Criteria: Invitae Variant Classification Sherloc (09022015). Collection method: clinical testing. Allele origin: germline.
Comment: In summary, the available evidence is currently insufficient to determine the role of this variant in disease. Therefore, it has been classified as a Variant of Uncertain Significance. Experimental studies and prediction algorithms are not available for this variant, and the functional significance of the disrupted amino acids is currently unknown. This variant has not been reported in the literature in individuals with NF1-related disease. This variant is not present in population databases (ExAC no frequency). This variant, c.4886_4891delCTAGCA, results in the deletion of 3 amino acids of the NF1 protein and the insertion of 1 amino acid (p.Pro1629_Asn1631delinsHis), but otherwise preserves the integrity of the reading frame.

NM_001042492.3(NF1):c.4949_4954del (p.Pro1650_Asn1652delinsHis)

Gene: NF1 (neurofibromin 1; plus strand). Cytogenetic location: 17q11.2.
Variant type: Deletion.
Coding change: c.4949_4954del on transcript NM_001042492.3 (MANE Select); coding-DNA positions 4949 to 4954, 6 bases deleted (CTAGCA; older notation c.4949_4954delCTAGCA).
Protein change: p.Pro1650_Asn1652delinsHis.
Molecular consequence: inframe indel.
Genome position (GRCh38, 1-based): chr17:31,325,933-31,325,938, CTAGCA deleted. VCF-style (leftmost placement, unchanged base first): chr17-31325932-CCTAGCA-C. GRCh37 (hg19) VCF-style: chr17-29652950-CCTAGCA-C.
Other names: c.4886_4891delCTAGCA, p.Pro1629_Asn1631delinsHis (NM_000267.4).
Identifiers: ClinVar variation 575520 (VCV000575520.5), dbSNP rs1567611339, ClinGen allele CA891844015.